The following is an entry in ClinVar:

ClinVar aggregate classification (germline): Likely pathogenic. Review status: criteria provided, multiple submitters, no conflicts (2 of 4 stars). 2 submissions from 2 submitters: Likely pathogenic (2). Last evaluated 2024-09-22.

Conditions:
Fanconi anemia complementation group G. Also called: Fanconi anemia group G; FANCG-Related Fanconi Anemia. Identifiers: Orphanet 84, MedGen C3469527, MONDO:0013565, OMIM 614082.

Submissions (2):

Natera, Inc.
Classification: Likely pathogenic for Fanconi anemia group G. Last evaluated: 2024-09-22. Review status: criteria provided, single submitter. Criteria: Natera Variant Classification Schema (03/2026). Collection method: clinical testing. Allele origin: germline.
Comment: The c.682del variant in FANCG is a frameshift variant predicted to shift the reading frame beginning at codon 228 and leads to a stop codon 2 codons downstream. This variant is expected to result in nonsense mediated decay, truncation, or a dysfunctional protein product. This variant is rare in the general population with a frequency below the threshold expected for the associated phenotype(s). Given the available evidence, this variant is classified as Likely Pathogenic.

Baylor Genetics
Classification: Likely pathogenic for Fanconi anemia complementation group G. Last evaluated: 2023-10-18. Review status: criteria provided, single submitter. Criteria: ACMG Guidelines, 2015. Collection method: clinical testing. Allele origin: unknown.

NM_004629.2(FANCG):c.682del (p.Ala228fs)

Gene: FANCG (FA complementation group G; minus strand). Cytogenetic location: 9p13.3.
Variant type: Deletion.
Coding change: c.682del on transcript NM_004629.2 (MANE Select); coding-DNA position 682, one base deleted (G; older notation c.682delG).
Protein change: p.Ala228fs; shifts the reading frame from alanine 228.
Molecular consequence: frameshift variant.
Genome position (GRCh38, 1-based): chr9:35,077,066, C deleted on the plus strand (G on the coding strand, the reverse complement: FANCG is on the minus strand); the first of 2 consecutive C bases (chr9:35,077,066-35,077,067); deleting either gives the same sequence. VCF-style (leftmost placement, unchanged base first): chr9-35077065-GC-G. GRCh37 (hg19) VCF-style: chr9-35077062-GC-G.
Other names: c.682del (NM_004629.1); short protein forms A228fs.
Identifiers: ClinVar variation 2675568 (VCV002675568.2), dbSNP rs2490403680, ClinGen allele CA2689841248.